The following is an entry in ClinVar:

ClinVar aggregate classification (germline): Uncertain significance. Review status: criteria provided, multiple submitters, no conflicts (2 of 4 stars). 2 submissions from 2 submitters: Uncertain significance (2). Last evaluated 2025-08-28.

Conditions:
Naxos disease (NXD). Also called: KERATOSIS PALMOPLANTARIS WITH ARRHYTHMOGENIC CARDIOMYOPATHY; MAL DE NAXOS; PALMOPLANTAR KERATODERMA WITH ARRHYTHMOGENIC RIGHT VENTRICULAR CARDIOMYOPATHY AND WOOLLY HAIR; WOOLLY HAIR, PALMOPLANTAR KERATODERMA, AND CARDIAC ABNORMALITIES; CARDIOMYOPATHY, ARRHYTHMOGENIC RIGHT VENTRICULAR, WITH SKIN, HAIR, AND NAIL ABNORMALITIES. Identifiers: Orphanet 34217, MedGen C1832600, MONDO:0011017, OMIM 601214.
Arrhythmogenic right ventricular dysplasia 12. Also called: ARRHYTHMOGENIC RIGHT VENTRICULAR DYSPLASIA, FAMILIAL, 12. Identifiers: MedGen C1969081, MONDO:0012684, OMIM 611528.
Cardiovascular phenotype. Identifiers: MedGen CN230736.

gnomAD v4.1: 1 of 1,610,184 alleles (0.000062%); highest among the groups gnomAD compares: Non-Finnish European, 0.000085%; no homozygotes.

Submissions (2):

Ambry Genetics
Classification: Uncertain significance for Cardiovascular phenotype. Last evaluated: 2025-08-28. Review status: criteria provided, single submitter. Criteria: Ambry Variant Classification Scheme 2023. Collection method: clinical testing. Allele origin: germline.
Comment: The p.P183S variant (also known as c.547C>T), located in coding exon 3 of the JUP gene, results from a C to T substitution at nucleotide position 547. The proline at codon 183 is replaced by serine, an amino acid with similar properties. This amino acid position is conserved. In addition, this alteration is predicted to be tolerated by in silico analysis. Based on the available evidence, the clinical significance of this variant remains unclear.

Labcorp Genetics (formerly Invitae), Labcorp
Classification: Uncertain significance for Arrhythmogenic right ventricular dysplasia 12; Naxos disease. Last evaluated: 2025-06-30. Review status: criteria provided, single submitter. Criteria: Invitae Variant Classification Sherloc (09022015). Collection method: clinical testing. Allele origin: germline.
Comment: This sequence change replaces proline, which is neutral and non-polar, with serine, which is neutral and polar, at codon 183 of the JUP protein (p.Pro183Ser). This variant is not present in population databases (gnomAD no frequency). This variant has not been reported in the literature in individuals affected with JUP-related conditions. An algorithm developed to predict the effect of missense changes on protein structure and function (PolyPhen-2) suggests that this variant is likely to be tolerated. In summary, the available evidence is currently insufficient to determine the role of this variant in disease. Therefore, it has been classified as a Variant of Uncertain Significance.

NM_002230.4(JUP):c.547C>T (p.Pro183Ser)

Gene: JUP (junction plakoglobin; minus strand). Cytogenetic location: 17q21.2.
Variant type: single nucleotide variant.
Coding change: c.547C>T on transcript NM_002230.4 (MANE Select); coding-DNA position 547, C replaced by T.
Protein change: p.Pro183Ser; replaces proline 183 with serine.
Molecular consequence: missense variant.
Genome position (GRCh38, 1-based): chr17:41,769,129, G>A on the plus strand (C>T on the coding strand, the complement: JUP is on the minus strand). VCF-style: chr17-41769129-G-A. GRCh37 (hg19) VCF-style: chr17-39925381-G-A.
Other names: c.547C>T, p.Pro183Ser (NM_001352773.2, NM_001352774.2, NM_001352775.2 and 3 more transcripts); short protein forms P183S.
Identifiers: ClinVar variation 4089549 (VCV004089549.2).